The following is an entry in ClinVar:

NM_182961.4(SYNE1):c.8304G>A (p.Glu2768=)

Gene: SYNE1 (spectrin repeat containing nuclear envelope protein 1; minus strand). Cytogenetic location: 6q25.2.
Variant type: single nucleotide variant.
Coding change: c.8304G>A on transcript NM_182961.4 (MANE Select); coding-DNA position 8304, G replaced by A.
Protein change: p.Glu2768=; no amino-acid change (glutamic acid 2768 retained).
Molecular consequence: synonymous variant.
Genome position (GRCh38, 1-based): chr6:152,387,255, C>T on the plus strand (G>A on the coding strand, the complement: SYNE1 is on the minus strand). VCF-style: chr6-152387255-C-T. GRCh37 (hg19) VCF-style: chr6-152708390-C-T.
Other names: c.8325G>A, p.Glu2775= (NM_033071.5).
Identifiers: ClinVar variation 2673086 (VCV002673086.23), dbSNP rs2492476749, ClinGen allele CA452972647.

ClinVar aggregate classification (germline): Uncertain significance (1 of 4 stars; one submission).

Submission:

CeGaT Center for Human Genetics Tuebingen
Classification: Uncertain significance. Last evaluated: 2023-11-01. Review status: criteria provided, single submitter. Criteria: CeGaT Center For Human Genetics Tuebingen Variant Classification Criteria Version 2. Collection method: clinical testing. Allele origin: germline. Affected: yes. Observed: 1 variant allele.
Comment: SYNE1: PM2:Supporting, BP4